The following is an entry in ClinVar:

NM_003981.4(PRC1):c.971-442C>T

Genes: PRC1-AS1 (PRC1 antisense RNA 1; plus strand), PRC1 (protein regulator of cytokinesis 1; minus strand). Cytogenetic location: 15q26.1.
Variant type: single nucleotide variant.
Coding change: c.971-442C>T on transcript NM_003981.4 (MANE Select); 442 bases into the intron before coding-DNA position 971, C replaced by T.
Molecular consequence: intron variant.
Genome position (GRCh38, 1-based): chr15:90,979,736, G>A on the plus strand (C>T on the coding strand, the complement: PRC1 is on the minus strand). VCF-style: chr15-90979736-G-A. GRCh37 (hg19) VCF-style: chr15-91522966-G-A.
Other names: c.848-442C>T (NM_001267580.2); c.971-442C>T (NM_199413.3).
Identifiers: ClinVar variation 157637 (VCV000157637.3), dbSNP rs10520699, ClinGen allele CA186114.

ClinVar aggregate classification (germline): association (0 of 4 stars; one submission).

Conditions:
Breast carcinoma. Also called: Carcinoma of breast. Identifiers: MedGen C0678222, MONDO:0004989, HP:0003002.

Allele frequency attached by ClinVar (database versions not stated): 1000 Genomes Project 0.03834; 1000 Genomes Project 30x 0.04076; TOPMed 0.07733; gnomAD 0.08455 and 0.08779.
gnomAD v4.1: 12,870 of 152,206 alleles (8.5%); highest among the groups gnomAD compares: Non-Finnish European, 13%; 742 homozygotes.

Submission:

Research Lab, National Institute of Public Health
Classification: association for breast carcinoma. Last evaluated: 2014-02-01. Review status: no assertion criteria provided. Collection method: research. Allele origin: inherited. Affected: yes. Observed: 27 variant alleles. Clinical features observed: pathological tumor size (pT). Study: Role of PRC1 genetic variability in breast cancer.
Comment: association with gene transcript level in tumor tissue